The following is an entry in ClinVar:

ClinVar aggregate classification (germline): Uncertain significance (1 of 4 stars; one submission).

gnomAD v4.1: 8 of 1,614,108 alleles (0.0005%); highest among the groups gnomAD compares: Non-Finnish European, 0.00068%; no homozygotes.

Submission:

Labcorp Genetics (formerly Invitae), Labcorp
Classification: Uncertain significance. Last evaluated: 2021-04-21. Review status: criteria provided, single submitter. Criteria: Invitae Variant Classification Sherloc (09022015). Collection method: clinical testing. Allele origin: germline.
Comment: This sequence change replaces leucine with valine at codon 270 of the COL18A1 protein (p.Leu270Val). There is a small physicochemical difference between leucine and valine. This variant is not present in population databases (ExAC no frequency). This variant has not been reported in the literature in individuals with COL18A1-related conditions. Experimental studies and prediction algorithms are not available or were not evaluated, and the functional significance of this variant is currently unknown. In summary, the available evidence is currently insufficient to determine the role of this variant in disease. Therefore, it has been classified as a Variant of Uncertain Significance.

NM_001379500.1(COL18A1):c.808C>G (p.Leu270Val)

Gene: COL18A1 (collagen type XVIII alpha 1 chain; plus strand). Cytogenetic location: 21q22.3.
Variant type: single nucleotide variant.
Coding change: c.808C>G on transcript NM_001379500.1 (MANE Select); coding-DNA position 808, C replaced by G.
Protein change: p.Leu270Val; replaces leucine 270 with valine.
Molecular consequence: missense variant.
Genome position (GRCh38, 1-based): chr21:45,476,360, C>G. VCF-style: chr21-45476360-C-G. GRCh37 (hg19) VCF-style: chr21-46896274-C-G.
Other names: c.1348C>G, p.Leu450Val (NM_030582.4); c.2053C>G, p.Leu685Val (NM_130444.3); short protein forms L685V, L450V, L270V.
Identifiers: ClinVar variation 1347246 (VCV001347246.3), dbSNP rs773835415, ClinGen allele CA321913593.